The following is an entry in ClinVar:

NM_000275.3(OCA2):c.2272G>A (p.Asp758Asn)

Gene: OCA2 (OCA2 melanosomal transmembrane protein; minus strand). Cytogenetic location: 15q13.1.
Variant type: single nucleotide variant.
Coding change: c.2272G>A on transcript NM_000275.3 (MANE Select); coding-DNA position 2272, G replaced by A.
Protein change: p.Asp758Asn; replaces aspartic acid 758 with asparagine.
Molecular consequence: missense variant.
Genome position (GRCh38, 1-based): chr15:27,851,448, C>T on the plus strand (G>A on the coding strand, the complement: OCA2 is on the minus strand). VCF-style: chr15-27851448-C-T. GRCh37 (hg19) VCF-style: chr15-28096594-C-T.
Other names: c.2200G>A, p.Asp734Asn (NM_001300984.2); short protein forms D734N, D758N.
Identifiers: ClinVar variation 2416860 (VCV002416860.4), dbSNP rs758377459, ClinGen allele CA7438662.

ClinVar aggregate classification (germline): Uncertain significance (1 of 4 stars; one submission).

Allele frequency attached by ClinVar (database versions not stated): gnomAD exomes below 0.00001; gnomAD 0.00002; ExAC 0.00003; TOPMed 0.00003.
gnomAD v4.1: 10 of 1,613,688 alleles (0.00062%); highest among the groups gnomAD compares: South Asian, 0.0033%; no homozygotes.

Submission:

Labcorp Genetics (formerly Invitae), Labcorp
Classification: Uncertain significance. Last evaluated: 2023-11-27. Review status: criteria provided, single submitter. Criteria: Invitae Variant Classification Sherloc (09022015). Collection method: clinical testing. Allele origin: germline.
Comment: This sequence change replaces aspartic acid, which is acidic and polar, with asparagine, which is neutral and polar, at codon 758 of the OCA2 protein (p.Asp758Asn). This variant is present in population databases (rs758377459, gnomAD 0.01%). This variant has not been reported in the literature in individuals affected with OCA2-related conditions. ClinVar contains an entry for this variant (Variation ID: 2416860). Advanced modeling of protein sequence and biophysical properties (such as structural, functional, and spatial information, amino acid conservation, physicochemical variation, residue mobility, and thermodynamic stability) performed at Invitae indicates that this missense variant is not expected to disrupt OCA2 protein function with a negative predictive value of 80%. In summary, the available evidence is currently insufficient to determine the role of this variant in disease. Therefore, it has been classified as a Variant of Uncertain Significance.